The following is an entry in ClinVar:

ClinVar aggregate classification (germline): Uncertain significance (1 of 4 stars; one submission).

Submission:

GeneDx
Classification: Uncertain significance. Last evaluated: 2025-03-21. Review status: criteria provided, single submitter. Criteria: GeneDx Variant Classification Process June 2021. Collection method: clinical testing. Allele origin: germline. Affected: yes.
Comment: Not observed at significant frequency in large population cohorts (gnomAD); In silico analysis supports a deleterious effect on splicing; Has not been previously published as pathogenic or benign to our knowledge

NM_001170629.2(CHD8):c.4062+3A>T

Gene: CHD8 (chromodomain helicase DNA binding protein 8; minus strand). Cytogenetic location: 14q11.2.
Variant type: single nucleotide variant.
Coding change: c.4062+3A>T on transcript NM_001170629.2 (MANE Select); 3 bases into the intron after coding-DNA position 4062, A replaced by T.
Molecular consequence: intron variant.
Genome position (GRCh38, 1-based): chr14:21,401,954, T>A on the plus strand (A>T on the coding strand, the complement: CHD8 is on the minus strand). VCF-style: chr14-21401954-T-A. GRCh37 (hg19) VCF-style: chr14-21870113-T-A.
Other names: c.3225+3A>T (NM_020920.4).
Identifiers: ClinVar variation 4088119 (VCV004088119.1).